The following is an entry in ClinVar:

ClinVar aggregate classification (germline): Uncertain significance (1 of 4 stars; one submission).

Conditions:
Neuropathy, hereditary sensory and autonomic, type 2A (HSAN2A). Also called: HSAN IIA; ACROOSTEOLYSIS, GIACCAI TYPE; ACROOSTEOLYSIS, NEUROGENIC; MORVAN DISEASE; NEUROPATHY, CONGENITAL SENSORY; NEUROPATHY, HEREDITARY SENSORY RADICULAR, AUTOSOMAL RECESSIVE. Identifiers: Orphanet 970, MedGen C2752089, MONDO:0024309, OMIM 201300.
Generalized epilepsy with febrile seizures plus, type 7 (GEFSP7). Also called: GEFS+, TYPE 7. Identifiers: Orphanet 36387, MedGen C2751778, MONDO:0013470, OMIM 613863.

Submission:

Labcorp Genetics (formerly Invitae), Labcorp
Classification: Uncertain significance for Neuropathy, hereditary sensory and autonomic, type 2A; Generalized epilepsy with febrile seizures plus, type 7. Last evaluated: 2020-10-06. Review status: criteria provided, single submitter. Criteria: Invitae Variant Classification Sherloc (09022015). Collection method: clinical testing. Allele origin: germline.
Comment: In summary, the available evidence is currently insufficient to determine the role of this variant in disease. Therefore, it has been classified as a Variant of Uncertain Significance. Algorithms developed to predict the effect of missense changes on protein structure and function are either unavailable or do not agree on the potential impact of this missense change (SIFT: "Tolerated"; PolyPhen-2: "Probably Damaging"; Align-GVGD: "Class C0"). This variant has not been reported in the literature in individuals with SCN9A-related conditions. This variant is not present in population databases (ExAC no frequency). This sequence change replaces glutamine with arginine at codon 978 of the SCN9A protein (p.Gln978Arg). The glutamine residue is highly conserved and there is a small physicochemical difference between glutamine and arginine.

NM_001365536.1(SCN9A):c.2966A>G (p.Gln989Arg)

Genes: SCN1A-AS1 (SCN1A and SCN9A antisense RNA 1; plus strand), SCN9A (sodium voltage-gated channel alpha subunit 9; minus strand). Cytogenetic location: 2q24.3.
Variant type: single nucleotide variant.
Coding change: c.2966A>G on transcript NM_001365536.1 (MANE Select); coding-DNA position 2966, A replaced by G.
Protein change: p.Gln989Arg; replaces glutamine 989 with arginine.
Molecular consequence: missense variant.
Genome position (GRCh38, 1-based): chr2:166,272,784, T>C on the plus strand (A>G on the coding strand, the complement: SCN9A is on the minus strand). VCF-style: chr2-166272784-T-C. GRCh37 (hg19) VCF-style: chr2-167129294-T-C.
Other names: c.2933A>G, p.Gln978Arg (NM_002977.4); short protein forms Q978R, Q989R.
Identifiers: ClinVar variation 1020053 (VCV001020053.9), dbSNP rs1697061166, ClinGen allele CA349074667.